The following is an entry in ClinVar:

NM_001903.5(CTNNA1):c.326G>T (p.Gly109Val)

Gene: CTNNA1 (catenin alpha 1; plus strand). Cytogenetic location: 5q31.2.
Variant type: single nucleotide variant.
Coding change: c.326G>T on transcript NM_001903.5 (MANE Select); coding-DNA position 326, G replaced by T.
Protein change: p.Gly109Val; replaces glycine 109 with valine.
Molecular consequence: missense variant. On other transcripts: intron variant (1).
Genome position (GRCh38, 1-based): chr5:138,810,062, G>T. VCF-style: chr5-138810062-G-T. GRCh37 (hg19) VCF-style: chr5-138145751-G-T.
Other names: c.326G>T, p.Gly109Val (NM_001290307.3, NM_001323982.2, NM_001323983.1 and 3 more transcripts); c.17G>T, p.Gly6Val (NM_001290309.3); c.-5-39G>T (NM_001290310.3); short protein forms G6V, G109V.
Identifiers: ClinVar variation 1485644 (VCV001485644.11), dbSNP rs1758515987, ClinGen allele CA361122869.
Genomic context (GRCh38, chr5:138,810,062, plus strand): 5'-ATTCTTGCTGAGTTTGTTTTTCATTCTGTAAAACAGGTGATTTGATGAAGGCTGCTGCAG[G>T]AGAGTTCGCAGATGATCCCTGCTCTTCTGTGAAGCGAGGCAACATGGTTCGGGCAGCTCG-3'
Protein context (NP_001894.2, residues 99-119): KQGDLMKAAA[Gly109Val]EFADDPCSSV

ClinVar aggregate classification (germline): Uncertain significance. Review status: criteria provided, multiple submitters, no conflicts (2 of 4 stars). 2 submissions from 2 submitters: Uncertain significance (2). Last evaluated 2025-11-08.

Conditions:
Hereditary cancer-predisposing syndrome. Also called: Hereditary neoplastic syndrome; Neoplastic Syndromes, Hereditary; Hereditary Cancer Syndrome; Tumor predisposition. Identifiers: Orphanet 140162, MedGen C0027672, MeSH D009386, MONDO:0015356.

Submissions (2):

Ambry Genetics
Classification: Uncertain significance for Hereditary cancer-predisposing syndrome. Last evaluated: 2025-11-08. Review status: criteria provided, single submitter. Criteria: Ambry Variant Classification Scheme 2023. Collection method: clinical testing. Allele origin: germline.
Comment: The p.G109V variant (also known as c.326G>T), located in coding exon 3 of the CTNNA1 gene, results from a G to T substitution at nucleotide position 326. The glycine at codon 109 is replaced by valine, an amino acid with dissimilar properties. This amino acid position is conserved. In addition, the in silico prediction for this alteration is inconclusive. Since supporting evidence is limited at this time, the clinical significance of this alteration remains unclear.

Labcorp Genetics (formerly Invitae), Labcorp
Classification: Uncertain significance. Last evaluated: 2023-08-17. Review status: criteria provided, single submitter. Criteria: Invitae Variant Classification Sherloc (09022015). Collection method: clinical testing. Allele origin: germline.
Comment: This variant has not been reported in the literature in individuals affected with CTNNA1-related conditions. This variant is not present in population databases (gnomAD no frequency). This sequence change replaces glycine, which is neutral and non-polar, with valine, which is neutral and non-polar, at codon 109 of the CTNNA1 protein (p.Gly109Val). ClinVar contains an entry for this variant (Variation ID: 1485644). In summary, the available evidence is currently insufficient to determine the role of this variant in disease. Therefore, it has been classified as a Variant of Uncertain Significance. Advanced modeling of protein sequence and biophysical properties (such as structural, functional, and spatial information, amino acid conservation, physicochemical variation, residue mobility, and thermodynamic stability) performed at Invitae indicates that this missense variant is not expected to disrupt CTNNA1 protein function.